The following is an entry in ClinVar:

NM_000823.4(GHRHR):c.1089_1093del (p.Leu364fs)

Gene: GHRHR (growth hormone releasing hormone receptor; plus strand). Cytogenetic location: 7p14.3.
Variant type: Deletion.
Coding change: c.1089_1093del on transcript NM_000823.4 (MANE Select); coding-DNA positions 1089 to 1093, 5 bases deleted (ACTGG; older notation c.1089_1093delACTGG).
Protein change: p.Leu364fs; shifts the reading frame from leucine 364.
Molecular consequence: frameshift variant.
Genome position (GRCh38, 1-based): chr7:30,976,543-30,976,547, ACTGG deleted; deleting any 5 consecutive bases within chr7:30,976,541-30,976,547 gives the same sequence; the c. name uses the placement nearest the transcript's 3' end. VCF-style (leftmost placement, unchanged base first): chr7-30976540-GGGACT-G. GRCh37 (hg19) VCF-style: chr7-31016155-GGGACT-G.
Other names: c.1089_1093delACTGG (NM_000823.4, NM_000823.3); short protein forms L364fs.
Identifiers: ClinVar variation 265396 (VCV000265396.19), dbSNP rs748432685, ClinGen allele CA4208779.

ClinVar aggregate classification (germline): Pathogenic. Review status: criteria provided, multiple submitters, no conflicts (2 of 4 stars). 5 submissions from 5 submitters: Pathogenic (5). Last evaluated 2026-09-18.

Conditions:
GHRHR-related disorder. Also called: GHRHR-related condition.
Idiopathic growth hormone deficiency (IGHD). Identifiers: MedGen C0342381.

Submissions (5):

GeneDx
Classification: Pathogenic. Last evaluated: 2026-09-18. Review status: criteria provided, single submitter. Criteria: GeneDx Variant Classification Process June 2021. Collection method: clinical testing. Allele origin: germline.
Comment: Published functional studies demonstrate a damaging effect: absent cAMP response (PMID: 11380500); Frameshift variant predicted to result in abnormal protein length as the last 60 amino acid(s) are replaced with 20 different amino acid(s), and other similar variants have been reported in HGMD; This variant is associated with the following publications: (PMID: 27114065, 31589614, 30266296, 31231873, 11380500)

Women's Health and Genetics/Laboratory Corporation of America, LabCorp
Classification: Pathogenic for Idiopathic growth hormone deficiency. Last evaluated: 2026-06-03. Review status: criteria provided, single submitter. Criteria: LabCorp Variant Classification Summary - May 2015. Collection method: clinical testing. Allele origin: germline.
Comment: Variant summary: GHRHR c.1089_1093delACTGG (p.Leu364PhefsX21) results in a premature termination codon, predicted to cause a truncation of the encoded protein or absence of the protein due to nonsense mediated decay, which are commonly known mechanisms for disease. The variant allele was found at a frequency of 3.6e-05 in 250056 control chromosomes. c.1089_1093delACTGG has been observed in multiple homozygous or compound heterozygous individuals affected with Idiopathic Growth Hormone Deficiency (Salvatori_2001, Cohen_2019). These data indicate that the variant is likely to be associated with disease. At least one publication reports experimental evidence that this variant affects GHRHR function (Salvatori_2001). The following publications have been ascertained in the context of this evaluation (PMID: 31231873, 11380500). ClinVar contains an entry for this variant (Variation ID: 265396). Based on the evidence outlined above, the variant was classified as pathogenic.

Labcorp Genetics (formerly Invitae), Labcorp
Classification: Pathogenic. Last evaluated: 2025-12-26. Review status: criteria provided, single submitter. Criteria: Invitae Variant Classification Sherloc (09022015). Collection method: clinical testing. Allele origin: germline.
Comment: This sequence change creates a premature translational stop signal (p.Leu364Phefs*21) in the GHRHR gene. While this is not anticipated to result in nonsense mediated decay, it is expected to disrupt the last 60 amino acid(s) of the GHRHR protein. This variant is present in population databases (rs748432685, gnomAD 0.01%). This premature translational stop signal has been observed in individual(s) with clinical features of growth hormone deficiency (PMID: 11380500, 31231873). In at least one individual the data is consistent with being in trans (on the opposite chromosome) from a pathogenic variant. It has also been observed to segregate with disease in related individuals. This variant is also known as Del 1140-1144. ClinVar contains an entry for this variant (Variation ID: 265396). Algorithms developed to predict the effect of variants on gene product structure and function are not available or were not evaluated for this variant. Experimental studies have shown that this premature translational stop signal affects GHRHR function (PMID: 11380500). For these reasons, this variant has been classified as Pathogenic.

Blueprint Genetics
Classification: Pathogenic for GHRHR-related disorders. Last evaluated: 2022-05-27. Review status: criteria provided, single submitter. Criteria: ACMG Guidelines, 2015. Collection method: clinical testing. Allele origin: germline. Affected: yes. Observed: 5 variant alleles.

Eurofins Ntd Llc (ga)
Classification: Pathogenic. Last evaluated: 2017-10-03. Review status: criteria provided, single submitter. Criteria: EGL Classification Definitions 2015. Collection method: clinical testing. Allele origin: germline. Observed: 1 variant allele, 1 heterozygote.

Literature cited by the submitters: PubMed 31231873 (cited by Women's Health and Genetics/Laboratory Corporation of America, LabCorp and Labcorp Genetics (formerly Invitae), Labcorp); PubMed 11380500 (cited by Women's Health and Genetics/Laboratory Corporation of America, LabCorp and Labcorp Genetics (formerly Invitae), Labcorp).